The following is an entry in ClinVar:

ClinVar aggregate classification (germline): Uncertain significance (1 of 4 stars; one submission).

Conditions:
Pilarowski-Bjornsson syndrome. Also called: DEVELOPMENTAL DELAY AND SPEECH APRAXIA WITH OR WITHOUT SEIZURES. Identifiers: Orphanet 529965, MedGen C4540131, MONDO:0060568, OMIM 617682.

Submission:

New York Genome Center
Classification: Uncertain significance for Pilarowski-Bjornsson syndrome. Last evaluated: 2020-03-02. Review status: criteria provided, single submitter. Criteria: NYGC Assertion Criteria 2020. Collection method: clinical testing. Allele origin: germline. Observed: 1 heterozygote. Study: CSER-NYCKidSeq.
Comment: The c.3113G>T (p.Arg1038Ile) variant identified in the CHD1 gene substitutes a highly conserved Arginine for Isoleucine at amino acid 1038/1711 (coding exon 22/35). This variant is absent from gnomAD suggesting it is not a common benign variant in the populations represented in this database. In silico algorithms do not agree on the effect of this variant, as it is predicted both Deleterious (Provean; score: -3.40) and Tolerated (SIFT; score: 0.121) to the function of the canonical transcript. This variant is absent from ClinVar and to our current knowledge has not been reported in affected individuals in the literature. The p.Arg1038 residue is not within a mapped domain of CHD1(UniProtKB: O14646). Given the lack of compelling evidence for its pathogenicity, the c.3113G>T (p.Arg1038Ile) variant identified in the CHD1 gene is reported here as a Variant of Uncertain Significance.

NM_001270.4(CHD1):c.3113G>T (p.Arg1038Ile)

Gene: CHD1 (chromodomain helicase DNA binding protein 1; minus strand). Cytogenetic location: 5q15.
Variant type: single nucleotide variant.
Coding change: c.3113G>T on transcript NM_001270.4 (MANE Select); coding-DNA position 3113, G replaced by T.
Protein change: p.Arg1038Ile; replaces arginine 1038 with isoleucine.
Molecular consequence: missense variant. On other transcripts: non-coding transcript variant (2).
Genome position (GRCh38, 1-based): chr5:98,879,676, C>A on the plus strand (G>T on the coding strand, the complement: CHD1 is on the minus strand). VCF-style: chr5-98879676-C-A. GRCh37 (hg19) VCF-style: chr5-98215380-C-A.
Other names: c.3113G>T, p.Arg1038Ile (NM_001364113.3, NM_001376194.2); short protein forms R1038I.
Identifiers: ClinVar variation 983386 (VCV000983386.2), dbSNP rs1750025322, ClinGen allele CA360509266.
Genomic context (GRCh38, chr5:98,879,676, plus strand): 5'-TCTTCTTCTAATCGTCTTCTTTGATCTTCTGGAATAATTTCCTCCCAATTCTTTGAATTT[C>A]TTTCAGGTTCCAACTCAATGTCATCCTCATCCATATTTGAGAAGTTGGCAACCTGATAAA-3'
Protein context (NP_001261.2, residues 1028-1048): DEDDIELEPE[Arg1038Ile]NSKNWEEIIP